The following is an entry in ClinVar:

ClinVar aggregate classification (germline): Uncertain significance (1 of 4 stars; one submission).

Allele frequency attached by ClinVar (database versions not stated): gnomAD 0.00001; gnomAD exomes 0.00001; ExAC 0.00003.
gnomAD v4.1: 18 of 1,611,858 alleles (0.0011%); highest among the groups gnomAD compares: South Asian, 0.013%; no homozygotes.

Submission:

Labcorp Genetics (formerly Invitae), Labcorp
Classification: Uncertain significance. Last evaluated: 2022-02-08. Review status: criteria provided, single submitter. Criteria: Invitae Variant Classification Sherloc (09022015). Collection method: clinical testing. Allele origin: germline.
Comment: In summary, the available evidence is currently insufficient to determine the role of this variant in disease. Therefore, it has been classified as a Variant of Uncertain Significance. Algorithms developed to predict the effect of missense changes on protein structure and function are either unavailable or do not agree on the potential impact of this missense change (SIFT: "Tolerated"; PolyPhen-2: "Probably Damaging"; Align-GVGD: "Class C0"). This variant has not been reported in the literature in individuals affected with PDE4D-related conditions. This variant is present in population databases (rs766490621, gnomAD 0.01%). This sequence change replaces arginine, which is basic and polar, with glutamine, which is neutral and polar, at codon 234 of the PDE4D protein (p.Arg234Gln).

NM_001104631.2(PDE4D):c.701G>A (p.Arg234Gln)

Gene: PDE4D (phosphodiesterase 4D; minus strand). Cytogenetic location: 5q11.2.
Variant type: single nucleotide variant.
Coding change: c.701G>A on transcript NM_001104631.2 (MANE Select); coding-DNA position 701, G replaced by A.
Protein change: p.Arg234Gln; replaces arginine 234 with glutamine.
Molecular consequence: missense variant. On other transcripts: 5 prime UTR variant (1), intron variant (2).
Genome position (GRCh38, 1-based): chr5:59,185,246, C>T on the plus strand (G>A on the coding strand, the complement: PDE4D is on the minus strand). VCF-style: chr5-59185246-C-T. GRCh37 (hg19) VCF-style: chr5-58481072-C-T.
Other names: c.518G>A, p.Arg173Gln (NM_001165899.2, NM_001364599.1, NM_001364600.2); c.509G>A, p.Arg170Gln (NM_001197218.2, NM_001364602.2); c.335G>A, p.Arg112Gln (NM_001197219.2); c.311G>A, p.Arg104Gln (NM_001197220.2); c.488G>A, p.Arg163Gln (NM_001349241.2); c.371G>A, p.Arg124Gln (NM_001349242.2); c.-250G>A (NM_001364603.1); c.293G>A, p.Arg98Gln (NM_006203.5); and 1 more; short protein forms R234Q, R104Q, R163Q, R98Q, R170Q, R112Q, R124Q, R173Q.
Identifiers: ClinVar variation 2187795 (VCV002187795.4), dbSNP rs766490621, ClinGen allele CA3276355.